The following is an entry in ClinVar:

ClinVar aggregate classification (germline): Uncertain significance. Review status: criteria provided, multiple submitters, no conflicts (2 of 4 stars). 2 submissions from 2 submitters: Uncertain significance (2). Last evaluated 2025-11-16.

Conditions:
Neuroblastoma, susceptibility to, 3. Also called: ALK-Related Neuroblastic Tumor Susceptibility. Identifiers: Orphanet 635, MedGen C2751681, MONDO:0013083, OMIM 613014.
Hereditary cancer-predisposing syndrome. Also called: Hereditary Cancer Syndrome; Tumor predisposition; Neoplastic Syndromes, Hereditary; Hereditary neoplastic syndrome. Identifiers: Orphanet 140162, MedGen C0027672, MeSH D009386, MONDO:0015356.

Allele frequency attached by ClinVar (database versions not stated): ExAC 0.00002; gnomAD exomes 0.00002.
gnomAD v4.1: 12 of 1,613,778 alleles (0.00074%); highest among the groups gnomAD compares: African/African-American, 0.0013%; no homozygotes.

Submissions (2):

Labcorp Genetics (formerly Invitae), Labcorp
Classification: Uncertain significance for Neuroblastoma, susceptibility to, 3. Last evaluated: 2025-11-16. Review status: criteria provided, single submitter. Criteria: Invitae Variant Classification Sherloc (09022015). Collection method: clinical testing. Allele origin: germline.
Comment: This sequence change creates a premature translational stop signal (p.Arg1209*) in the ALK gene. It is expected to result in an absent or disrupted protein product. However, the current clinical and genetic evidence is not sufficient to establish whether loss-of-function variants in ALK cause disease. This variant is present in population databases (rs769449619, gnomAD 0.003%). This variant has not been reported in the literature in individuals affected with ALK-related conditions. ClinVar contains an entry for this variant (Variation ID: 651692). In summary, the available evidence is currently insufficient to determine the role of this variant in disease. Therefore, it has been classified as a Variant of Uncertain Significance.

Ambry Genetics
Classification: Uncertain significance for Hereditary cancer-predisposing syndrome. Last evaluated: 2025-01-15. Review status: criteria provided, single submitter. Criteria: Ambry Variant Classification Scheme 2023. Collection method: clinical testing. Allele origin: germline.
Comment: The p.R1209* variant (also known as c.3625C>T), located in coding exon 23 of the ALK gene, results from a C to T substitution at nucleotide position 3625. This changes the amino acid from an arginine to a stop codon within coding exon 23. This alteration is expected to result in loss of function by premature protein truncation or nonsense-mediated mRNA decay. However, loss of function of ALK has not been established as a mechanism of disease. Since supporting evidence is limited at this time, the clinical significance of this alteration remains unclear.

NM_004304.5(ALK):c.3625C>T (p.Arg1209Ter)

Gene: ALK (ALK receptor tyrosine kinase; minus strand). Cytogenetic location: 2p23.2.
Variant type: single nucleotide variant.
Coding change: c.3625C>T on transcript NM_004304.5 (MANE Select); coding-DNA position 3625, C replaced by T.
Protein change: p.Arg1209Ter; replaces arginine 1209 with a stop codon.
Molecular consequence: nonsense.
Genome position (GRCh38, 1-based): chr2:29,220,726, G>A on the plus strand (C>T on the coding strand, the complement: ALK is on the minus strand). VCF-style: chr2-29220726-G-A. GRCh37 (hg19) VCF-style: chr2-29443592-G-A.
Other names: c.421C>T, p.Arg141Ter (NM_001353765.2); short protein forms R1209*, R141*.
Identifiers: ClinVar variation 651692 (VCV000651692.14), dbSNP rs769449619, ClinGen allele CA1593845.